The following is an entry in ClinVar:

NM_000179.3(MSH6):c.3703C>A (p.Leu1235Ile)

Gene: MSH6 (mutS homolog 6; plus strand). Cytogenetic location: 2p16.3.
Variant type: single nucleotide variant.
Coding change: c.3703C>A on transcript NM_000179.3 (MANE Select); coding-DNA position 3703, C replaced by A.
Protein change: p.Leu1235Ile; replaces leucine 1235 with isoleucine.
Molecular consequence: missense variant. On other transcripts: non-coding transcript variant (5).
Genome position (GRCh38, 1-based): chr2:47,806,260, C>A. VCF-style: chr2-47806260-C-A. GRCh37 (hg19) VCF-style: chr2-48033399-C-A.
Other names: c.3313C>A, p.Leu1105Ile (NM_001281492.2); c.2797C>A, p.Leu933Ile (NM_001281493.2, NM_001281494.2, NM_001406811.1 and 6 more transcripts); c.3799C>A, p.Leu1267Ile (NM_001406795.1, NM_001406802.1); c.3703C>A, p.Leu1235Ile (NM_001406796.1, NM_001406800.1, NM_001406808.1 and 1 more transcripts); c.3406C>A, p.Leu1136Ile (NM_001406797.1, NM_001406801.1, NM_001406805.1 and 10 more transcripts); c.3529C>A, p.Leu1177Ile (NM_001406798.1); c.3178C>A, p.Leu1060Ile (NM_001406799.1, NM_001406806.1, NM_001406807.1); c.2839C>A, p.Leu947Ile (NM_001406803.1); and 7 more; short protein forms L1060I, L1105I, L1136I, L1177I, L1179I, L1209I, L1235I, L1237I.
Identifiers: ClinVar variation 2682024 (VCV002682024.1), dbSNP rs876661084, ClinGen allele CA346760984.

ClinVar aggregate classification (germline): Uncertain significance (1 of 4 stars; one submission).

Submission:

Quest Diagnostics Nichols Institute San Juan Capistrano
Classification: Uncertain significance. Last evaluated: 2022-12-02. Review status: criteria provided, single submitter. Criteria: Quest Diagnostics criteria. Collection method: clinical testing. Allele origin: unknown.
Comment: This variant has not been reported in the published literature. It also has not been reported in large, multi-ethnic general populations. Analysis of this variant using bioinformatics tools for the prediction of the effect of amino acid changes on protein structure and function yielded conflicting predictions that this variant is benign or damaging. Based on the available information, we are unable to determine the clinical significance of this variant.